The following is an entry in ClinVar:

NM_024426.6(WT1):c.1569A>G (p.Ter523Trp)

Gene: WT1 (WT1 transcription factor; minus strand). Cytogenetic location: 11p13.
Variant type: single nucleotide variant.
Coding change: c.1569A>G on transcript NM_024426.6 (MANE Select); coding-DNA position 1569, A replaced by G.
Protein change: p.Ter523Trp.
Molecular consequence: stop lost. On other transcripts: non-coding transcript variant (1).
Genome position (GRCh38, 1-based): chr11:32,389,058, T>C on the plus strand (A>G on the coding strand, the complement: WT1 is on the minus strand). VCF-style: chr11-32389058-T-C. GRCh37 (hg19) VCF-style: chr11-32410604-T-C.
Other names: c.1509A>G, p.Ter503Trp (NM_000378.6); c.909A>G, p.Ter303Trp (NM_001198551.2); c.867A>G, p.Ter289Trp (NM_001198552.2); c.381A>G, p.Ter127Trp (NM_001367854.1); c.1554A>G, p.Ter518Trp (NM_001407044.1); c.1518A>G, p.Ter506Trp (NM_001407045.1); c.1476A>G, p.Ter492Trp (NM_001407046.1); c.1437A>G, p.Ter479Trp (NM_001407047.1); and 6 more.
Identifiers: ClinVar variation 1016525 (VCV001016525.10), dbSNP rs1851742229, ClinGen allele CA379957436.

ClinVar aggregate classification (germline): Uncertain significance (1 of 4 stars; one submission).

Conditions:
Frasier syndrome. Identifiers: Orphanet 347, MedGen C0950122, MeSH D052159, MONDO:0007635, OMIM 136680.
Wilms tumor 1 (WT1). Also called: Wilms tumor, somatic. Identifiers: Orphanet 654, MedGen CN033288, MONDO:0008679, OMIM 194070.
11p partial monosomy syndrome (WAGR). Also called: WAGR Complex; WAGR syndrome; CHROMOSOME 11p13 DELETION SYNDROME; WAGR Spectrum Disorder. Identifiers: Orphanet 893, MedGen C0206115, MONDO:0008681, OMIM 194072.
Drash syndrome (DDS). Also called: NEPHROPATHY, WILMS TUMOR, AND GENITAL ANOMALIES; WILMS TUMOR AND PSEUDO- OR TRUE HERMAPHRODITISM. Identifiers: Orphanet 220, MedGen C0950121, MONDO:0008682, OMIM 194080.

Submission:

Labcorp Genetics (formerly Invitae), Labcorp
Classification: Uncertain significance for Wilms tumor 1; Drash syndrome; 11p partial monosomy syndrome; Frasier syndrome. Last evaluated: 2020-03-10. Review status: criteria provided, single submitter. Criteria: Invitae Variant Classification Sherloc (09022015). Collection method: clinical testing. Allele origin: germline.
Comment: This sequence change disrupts the translational stop signal of the WT1 mRNA. It is expected to extend the length of the WT1 protein by 22 additional amino acid residues. This variant is not present in population databases (ExAC no frequency). This variant has been observed in individual(s) with Wilms tumor and renal dysfunction (PMID: 15957141). Experimental studies and prediction algorithms are not available or were not evaluated, and the functional significance of this variant is currently unknown. In summary, the available evidence is currently insufficient to determine the role of this variant in disease. Therefore, it has been classified as a Variant of Uncertain Significance.

Literature cited by the submitters: PubMed 15957141.